The following is an entry in ClinVar:

ClinVar aggregate classification (germline): Conflicting classifications of pathogenicity. Review status: criteria provided, conflicting classifications (1 of 4 stars). 2 submissions from 2 submitters: Uncertain significance (1); Likely benign (1). Last evaluated 2024-02-17.

Conditions:
Bethlem myopathy 1A. Also called: Bethlem myopathy 1; MYOPATHY, BENIGN CONGENITAL, WITH CONTRACTURES; Bethlem Muscular Dystrophy. Identifiers: Orphanet 610, MedGen CN029274, MONDO:0024530, OMIM 158810.

Submissions (2):

Labcorp Genetics (formerly Invitae), Labcorp
Classification: Likely benign for Bethlem myopathy 1A. Last evaluated: 2024-02-17. Review status: criteria provided, single submitter. Criteria: Invitae Variant Classification Sherloc (09022015). Collection method: clinical testing. Allele origin: germline.

GeneDx
Classification: Uncertain significance. Last evaluated: 2019-07-03. Review status: criteria provided, single submitter. Criteria: GeneDx Variant Classification Process June 2021. Collection method: clinical testing. Allele origin: germline. Affected: yes.
Comment: Not observed at a significant frequency in large population cohorts (Lek et al., 2016); In silico analysis, which includes protein predictors and evolutionary conservation, supports that this variant does not alter protein structure/function; Has not been previously published as pathogenic or benign to our knowledge

NM_004369.4(COL6A3):c.8875G>T (p.Ala2959Ser)

Gene: COL6A3 (collagen type VI alpha 3 chain; minus strand). Cytogenetic location: 2q37.3.
Variant type: single nucleotide variant.
Coding change: c.8875G>T on transcript NM_004369.4 (MANE Select); coding-DNA position 8875, G replaced by T.
Protein change: p.Ala2959Ser; replaces alanine 2959 with serine.
Molecular consequence: missense variant.
Genome position (GRCh38, 1-based): chr2:237,336,225, C>A on the plus strand (G>T on the coding strand, the complement: COL6A3 is on the minus strand). VCF-style: chr2-237336225-C-A. GRCh37 (hg19) VCF-style: chr2-238244868-C-A.
Other names: c.7054G>T, p.Ala2352Ser (NM_057166.5); c.8257G>T, p.Ala2753Ser (NM_057167.4); short protein forms A2352S, A2753S, A2959S.
Identifiers: ClinVar variation 1302716 (VCV001302716.4), dbSNP rs774645319, ClinGen allele CA2187424.
Genomic context (GRCh38, chr2:237,336,225, plus strand): 5'-CAGCTGGTTTGGCTGCCTGTGGCCTAGGGACCTCAGGCTTGGTCGCCACTGGTTTTGCAG[C>A]AGCAGCAGCGGGGGGTCTTACAGCTGCTGGCTTTGCTGCTACAGGCTTCGCTGCCGTTGC-3'
Protein context (NP_004360.2, residues 2949-2969): PAAVRPPAAA[Ala2959Ser]AKPVATKPEV